The following is an entry in ClinVar:

ClinVar aggregate classification (germline): Likely pathogenic (1 of 4 stars; one submission).

Conditions:
Dilated cardiomyopathy 1G (CMD1G). Identifiers: Orphanet 154, MedGen C1858763, MONDO:0011400, OMIM 604145.
Autosomal recessive limb-girdle muscular dystrophy type 2J (LGMDR10). Also called: Limb-girdle muscular dystrophy, type 2J; MUSCULAR DYSTROPHY, LIMB-GIRDLE, AUTOSOMAL RECESSIVE 10. Identifiers: Orphanet 140922, MedGen C1837342, MONDO:0012127, OMIM 608807.

Submission:

Labcorp Genetics (formerly Invitae), Labcorp
Classification: Likely pathogenic for Dilated cardiomyopathy 1G; Autosomal recessive limb-girdle muscular dystrophy type 2J. Last evaluated: 2024-10-28. Review status: criteria provided, single submitter. Criteria: Invitae Variant Classification Sherloc (09022015). Collection method: clinical testing. Allele origin: germline.
Comment: This sequence change creates a premature translational stop signal (p.Thr1666Hisfs*47) in the TTN gene. While this is not anticipated to result in nonsense mediated decay, it is expected to create a truncated TTN protein. This variant is not present in population databases (gnomAD no frequency). This variant has not been reported in the literature in individuals affected with TTN-related conditions. ClinVar contains an entry for this variant (Variation ID: 1507074). This variant is located in the Z band of TTN (PMID: 25589632). Truncating variants in this region have been reported in individuals affected with autosomal recessive centronuclear myopathy (PMID: 33449170, internal data). Truncating variants in this region have also been identified in individuals affected with autosomal dominant dilated cardiomyopathy and/or cardio-related conditions (PMID: 27869827, 32964742, internal data). In summary, the currently available evidence indicates that the variant is pathogenic, but additional data are needed to prove that conclusively. Therefore, this variant has been classified as Likely Pathogenic.

Literature cited by the submitters: PubMed 25589632; PubMed 33449170; PubMed 27869827; PubMed 32964742.

NM_001267550.2(TTN):c.4995del (p.Thr1666fs)

Gene: TTN (titin; minus strand). Cytogenetic location: 2q31.2.
Variant type: Deletion.
Coding change: c.4995del on transcript NM_001267550.2 (MANE Select); coding-DNA position 4995, one base deleted (G; older notation c.4995delG).
Protein change: p.Thr1666fs; shifts the reading frame from threonine 1666.
Molecular consequence: frameshift variant.
Genome position (GRCh38, 1-based): chr2:178,776,869, C deleted on the plus strand (G on the coding strand, the reverse complement: TTN is on the minus strand); the first of 5 consecutive C bases (chr2:178,776,869-178,776,873); deleting any one gives the same sequence. VCF-style (leftmost placement, unchanged base first): chr2-178776868-TC-T. GRCh37 (hg19) VCF-style: chr2-179641595-TC-T.
Other names: c.4995del, p.Thr1666fs (NM_001256850.1, NM_133378.4, NM_133379.5); c.4857del, p.Thr1620fs (NM_003319.4, NM_133432.3, NM_133437.4); short protein forms T1620fs, T1666fs.
Identifiers: ClinVar variation 1507074 (VCV001507074.8), dbSNP rs2154346335, ClinGen allele CA2573133992.